The following is an entry in ClinVar:

ClinVar aggregate classification (germline): Conflicting classifications of pathogenicity. Review status: criteria provided, conflicting classifications (1 of 4 stars). 6 submissions from 6 submitters: Uncertain significance (3); Likely benign (2). 1 of the submissions does not count toward it. Last evaluated 2026-09-24.

Conditions:
SACS-related disorder. Also called: SACS-related condition.
Spastic paraplegia. Identifiers: MedGen C0037772, HP:0001258.
Charlevoix-Saguenay spastic ataxia (SACS). Also called: AUTOSOMAL RECESSIVE SPASTIC ATAXIA OF CHARLEVOIX-SAGUENAY; SPASTIC ATAXIA 6, AUTOSOMAL RECESSIVE; Spastic ataxia of Charlevoix-Saguenay. Identifiers: Orphanet 98, MedGen C1849140, MONDO:0010041, OMIM 270550.

Allele frequency attached by ClinVar (database versions not stated): TOPMed 0.00004; gnomAD 0.00005; gnomAD exomes 0.00006 and 0.00012; ExAC 0.00008.
gnomAD v4.1: 89 of 1,613,996 alleles (0.0055%); highest among the groups gnomAD compares: Non-Finnish European, 0.001%; no homozygotes.

Submissions (6):

PreventionGenetics, part of Exact Sciences
Classification: Likely benign for SACS-related condition. Last evaluated: 2026-09-24. Review status: criteria provided, single submitter. Criteria: ACMG Guidelines, 2015. Collection method: clinical testing. Allele origin: germline.
Comment: This variant is classified as likely benign based on ACMG/AMP sequence variant interpretation guidelines (Richards et al. 2015 PMID: 25741868, with internal and published modifications).

Labcorp Genetics (formerly Invitae), Labcorp
Classification: Likely benign for Spastic paraplegia. Last evaluated: 2025-11-08. Review status: criteria provided, single submitter. Criteria: Invitae Variant Classification Sherloc (09022015). Collection method: clinical testing. Allele origin: germline.

Genome-Nilou Lab
Classification: Uncertain significance for Charlevoix-Saguenay spastic ataxia. Last evaluated: 2021-09-05. Review status: criteria provided, single submitter. Criteria: ACMG Guidelines, 2015. Collection method: clinical testing. Allele origin: germline. Affected: no.

Illumina Laboratory Services, Illumina
Classification: Uncertain significance for Charlevoix-Saguenay spastic ataxia. Last evaluated: 2018-01-12. Review status: criteria provided, single submitter. Criteria: ICSL Variant Classification Criteria 13 December 2019. Collection method: clinical testing. Allele origin: germline.

GeneDx
Classification: Uncertain significance. Last evaluated: 2016-11-29. Review status: criteria provided, single submitter. Criteria: GeneDx Variant Classification (06012015). Collection method: clinical testing. Allele origin: germline. Affected: yes.
Comment: The I3962L variant in the SACS gene has not been reported previously as a pathogenic variant, nor as a benign variant, to our knowledge. The I3962L variant was not observed in approximately 6500 individuals of European and African American ancestry in the NHLBI Exome Sequencing Project, indicating it is not a common benign variant in these populations. The I3962L variant is a conservative amino acid substitution, which is not likely to impact secondary protein structure as these residues share similar properties. This substitution occurs at a position that is conserved across species. In silico analysis is inconsistent in its predictions as to whether or not the variant is damaging to the protein structure/function. Therefore, we interpret I3962L as a variant of uncertain significance.

Natera, Inc.
Classification: Uncertain significance for Charlevoix-Saguenay type spastic ataxia. Last evaluated: 2020-04-17. Review status: no assertion criteria provided. Collection method: clinical testing. Allele origin: germline. Not counted in ClinVar's aggregate classification.

NM_014363.6(SACS):c.11884A>T (p.Ile3962Leu)

Gene: SACS (sacsin molecular chaperone; minus strand). Cytogenetic location: 13q12.12.
Variant type: single nucleotide variant.
Coding change: c.11884A>T on transcript NM_014363.6 (MANE Select); coding-DNA position 11884, A replaced by T.
Protein change: p.Ile3962Leu; replaces isoleucine 3962 with leucine.
Molecular consequence: missense variant.
Genome position (GRCh38, 1-based): chr13:23,331,992, T>A on the plus strand (A>T on the coding strand, the complement: SACS is on the minus strand). VCF-style: chr13-23331992-T-A. GRCh37 (hg19) VCF-style: chr13-23906131-T-A.
Other names: c.11443A>T, p.Ile3815Leu (NM_001278055.2); short protein forms I3962L, I3815L.
Identifiers: ClinVar variation 373338 (VCV000373338.19), dbSNP rs746953932, ClinGen allele CA6910211.
Genomic context (GRCh38, chr13:23,331,992, plus strand): 5'-ATTGTTCTTCAAGTATACTGCTCAATAATCGAGGTCTAAGTTTTTGAGGAAAGAGCATTA[T>A]CAACTTAGTGTGAAATCCATGGTCTTTCCCTAAGTAGCACTGGCTGAGATCAACTAACAT-3'
Protein context (NP_055178.3, residues 3952-3972): GKDHGFHTKL[Ile3962Leu]MLFPQKLRPR